The following is an entry in ClinVar:

ClinVar aggregate classification (germline): Pathogenic. Review status: criteria provided, multiple submitters, no conflicts (2 of 4 stars). 38 submissions from 36 submitters: Pathogenic (30). 8 of the submissions do not count toward it. Last evaluated 2026-02-18.

Conditions:
Distal spinal muscular atrophy. Also called: Distal hereditary motor neuronopathy; Distal hereditary motor neuropathy. Identifiers: Orphanet 53739, MedGen C0393541, MONDO:0018894.
SPG7-related disorder. Also called: SPG7-related condition.
Inborn genetic diseases. Identifiers: MedGen C0950123, MeSH D030342.
Hereditary spastic paraplegia. Also called: Familial spastic paraparesis. Identifiers: Orphanet 685, MedGen C0037773, MONDO:0019064. Disease mechanism: loss of function.
Hereditary spastic paraplegia 7 (SPG7). Also called: SPG7-related neurologic disorder; Autosomal recessive spastic paraplegia type 7; SPASTIC PARAPLEGIA 7, AUTOSOMAL RECESSIVE, WITH OR WITHOUT CEREBELLAR ATAXIA; Spastic paraplegia 7; Hereditary spastic paraplegia Paraplegin type. Identifiers: Orphanet 99013, MedGen C1846564, MONDO:0011803, OMIM 607259.
Spastic paraplegia. Identifiers: MedGen C0037772, HP:0001258.
Gait ataxia. Identifiers: MedGen C0751837, HP:0002066.
Seizure. Also called: Seizures. Identifiers: MedGen C0036572, HP:0001250.
Memory impairment. Identifiers: MedGen C0233794, HP:0002354.
Cerebral cortical atrophy. Identifiers: MedGen C4551583, HP:0002120.
Spastic paraparesis. Identifiers: MedGen C0037771, HP:0002313.
Dysarthria. Identifiers: MedGen C0013362, HP:0001260.

Submissions 1 to 11 of 40:

Victorian Clinical Genetics Services, Murdoch Childrens Research Institute
Classification: Pathogenic for Hereditary spastic paraplegia 7. Last evaluated: 2026-02-18. Review status: criteria provided, single submitter. Criteria: ACMG Guidelines, 2015. Collection method: clinical testing. Allele origin: germline. Affected: yes.
Comment: This variant is classified as Pathogenic. Evidence in support of pathogenic classification: In-frame deletion in a non-repetitive region that has low conservation; Variant is present in gnomAD <0.01 (v4: 568 heterozygote(s), 0 homozygote(s)); This variant has strong previous evidence of pathogenicity in unrelated individuals. This variant has been reported multiple times as pathogenic and likely pathogenic by clinical laboratories and has also been identified in individuals with ataxia, cerebellar ataxia or hereditary spastic paraplegia (ClinVar, PMIDs: 30533525, 31692161). Additional information: This variant is heterozygous; This gene is associated with both recessive and dominant disease. This gene is associated with autosomal recessive spastic paraplegia 7 and autosomal dominant optic atrophy (PMIDs: 31854126, 32548275); Variant is not located in an established domain, motif, hotspot or informative constraint region; Loss of function is a known mechanism of disease in this gene and is associated with spastic paraplegia 7 (MIM#607259) and optic atrophy (MONDO:0003608), SPG7-related; Heterozygous variant detected in trans with a second PATHOGENIC heterozygous variant (NM_003119.4(SPG7):c.1904C>T; p.(Ser635Leu)) in a recessive disease.

Clinical Genomics Laboratory, Washington University in St. Louis
Classification: Pathogenic for Hereditary spastic paraplegia 7. Last evaluated: 2025-12-26. Review status: criteria provided, single submitter. Criteria: ACMG Guidelines, 2015. Collection method: clinical testing. Allele origin: germline. Affected: yes.
Comment: The SPG7 c.1454_1462del (p.Arg485_Glu487del) variant, also reported as c.1450_1458del due to alternative nomenclature, has been reported in at least 16 individuals affected with SPG7 who were homozygous or compound heterozygous for this variant and a pathogenic or likely pathogenic variant confirmed in trans (Klebe S et al., PMID: 23065789; McDermott CJ et al., PMID: 11222789; Pfeffer G et al., PMID: 24727571; Rydning SL et al., PMID: 26756429; van Gassen KLI et al., PMID: 22964162; Wedding IM et al., PMID: 24466038). Additionally, this variant has been reported to segregate with disease in four families, with two affected individuals reported in each family (van Gassen KLI et al., PMID: 22964162). This variant has been reported in the ClinVar database as a germline pathogenic variant by 29 submitters and as a likely pathogenic variant by two submitters. The highest population minor allele frequency in the Genome Aggregation Database (v2.1.1) is 0.079% in the European non-Finnish population. This variant is predicted to cause a change in protein length due to an in-frame deletion of three amino acids in a non-repeat region. Based on the available information and the ACMG/AMP guidelines for variant interpretation (Richards S et al., PMID: 25741868), this variant is classified as pathogenic.

CeGaT Center for Human Genetics Tuebingen
Classification: Pathogenic. Last evaluated: 2025-08-01. Review status: criteria provided, single submitter. Criteria: CeGaT Center For Human Genetics Tuebingen Variant Classification Criteria Version 2. Collection method: clinical testing. Allele origin: germline. Affected: yes. Observed: 11 variant alleles.
Comment: SPG7: PM3:Very Strong, PM2, PM4

Mayo Clinic Laboratories, Mayo Clinic
Classification: Pathogenic. Last evaluated: 2025-04-22. Review status: criteria provided, single submitter. Criteria: ACMG Guidelines, 2015. Collection method: clinical testing. Allele origin: germline. Observed: 4 variant alleles.
Comment: PM3_very_strong, PM4, PS4

Revvity Omics, Revvity
Classification: Pathogenic for Hereditary spastic paraplegia 7. Last evaluated: 2025-04-10. Review status: criteria provided, single submitter. Criteria: ACMG Guidelines, 2015. Collection method: clinical testing. Allele origin: germline.

Variantyx, Inc.
Classification: Pathogenic for Hereditary spastic paraplegia 7. Last evaluated: 2025-03-23. Review status: criteria provided, single submitter. Criteria: Variantyx Assertion Criteria 2022. Collection method: clinical testing. Allele origin: maternal.
Comment: This is an inframe substitution variant in the SPG7 gene (OMIM: 602783). Pathogenic variants in this gene have been associated with autosomal recessive spastic paraplegia 7. This variant causes an in-frame deletion of 3 amino acids at position 485-487 of the SPG7 protein (PM4). This variant has been identified in the homozygous or compound heterozygous state in many unrelated affected individuals from the published literature (PMID: 38127101, 37152446, 22964162, 23065789) (PM3_Very_Strong). This variant has a 0.0419% maximum allele frequency in non-founder control populations (PM2_Supporting). Based on the current evidence, this variant is classified as pathogenic for autosomal recessive spastic paraplegia 7.

Labcorp Genetics (formerly Invitae), Labcorp
Classification: Pathogenic for Hereditary spastic paraplegia 7. Last evaluated: 2025-01-27. Review status: criteria provided, single submitter. Criteria: Invitae Variant Classification Sherloc (09022015). Collection method: clinical testing. Allele origin: germline.
Comment: This variant, c.1454_1462del, results in the deletion of 3 amino acid(s) of the SPG7 protein (p.Arg485_Glu487del), but otherwise preserves the integrity of the reading frame. This variant is present in population databases (rs768823392, gnomAD 0.08%). This variant has been observed in individual(s) with hereditary spastic paraplegia (PMID: 11222789, 22964162, 23065789, 23269439, 23812641, 24466038, 24727571, 26756429, 27165006). In at least one individual the data is consistent with being in trans (on the opposite chromosome) from a pathogenic variant. It has also been observed to segregate with disease in related individuals. ClinVar contains an entry for this variant (Variation ID: 411680). Experimental studies and prediction algorithms are not available or were not evaluated, and the functional significance of this variant is currently unknown. Algorithms developed to predict the effect of sequence changes on RNA splicing suggest that this variant may disrupt the consensus splice site. For these reasons, this variant has been classified as Pathogenic.

Blueprint Genetics
Classification: Pathogenic for SPG7-related disorders. Last evaluated: 2024-11-19. Review status: criteria provided, single submitter. Criteria: ACMG Guidelines, 2015. Collection method: clinical testing. Allele origin: germline. Affected: yes. Observed: 5 variant alleles.

Women's Health and Genetics/Laboratory Corporation of America, LabCorp
Classification: Pathogenic for Hereditary spastic paraplegia 7. Last evaluated: 2024-02-02. Review status: criteria provided, single submitter. Criteria: LabCorp Variant Classification Summary - May 2015. Collection method: clinical testing. Allele origin: germline.
Comment: Variant summary: SPG7 c.1454_1462delGGCGGGAGA (p.Arg485_Glu487del, also known as c.1450-1_1457del) results in an in-frame deletion that is predicted to remove 3 amino acids from the encoded protein. The variant allele was found at a frequency of 0.00026 in 251444 control chromosomes. c.1454_1462delGGCGGGAGA has been reported in the literature as a common pathogenic variant in multiple individuals affected with Hereditary Spastic Paraplegia 7 (example, Burguez_2017, van Gassen_2012). These data indicate that the variant is very likely to be associated with disease. To our knowledge, no experimental evidence demonstrating an impact on protein function has been reported. The following publications have been ascertained in the context of this evaluation (PMID: 29246610, 22964162). ClinVar contains an entry for this variant (Variation ID: 411680). Based on the evidence outlined above, the variant was classified as pathogenic.

Fulgent Genetics
Classification: Pathogenic for Hereditary spastic paraplegia 7. Last evaluated: 2024-01-12. Review status: criteria provided, single submitter. Criteria: ACMG Guidelines, 2015. Collection method: clinical testing. Allele origin: germline.

HudsonAlpha Institute for Biotechnology
Classification: Pathogenic for Hereditary spastic paraplegia 7. Last evaluated: 2023-08-25. Review status: criteria provided, single submitter. Criteria: ACMG Guidelines, 2015. Collection method: research. Allele origin: unknown. Affected: yes. Observed: 1 variant allele. Study: HudsonAlpha-AGHI-WGS.

NM_003119.4(SPG7):c.1450-1_1457del

Gene: SPG7 (SPG7 matrix AAA peptidase subunit, paraplegin; plus strand). Cytogenetic location: 16q24.3.
Variant type: Deletion.
Coding change: c.1450-1_1457del on transcript NM_003119.4 (MANE Select); the canonical splice acceptor site of the intron before coding-DNA position 1450 through coding-DNA position 1457, 9 bases deleted (GGCGGGAGA; older notation c.1450-1_1457delGGCGGGAGA).
Molecular consequence: splice acceptor variant.
Genome position (GRCh38, 1-based): chr16:89,546,662-89,546,670, GGCGGGAGA deleted; deleting any 9 consecutive bases within chr16:89,546,657-89,546,670 gives the same sequence; the c. name uses the placement nearest the transcript's 3' end. VCF-style (leftmost placement, unchanged base first): chr16-89546656-AGGAGAGGCG-A. GRCh37 (hg19) VCF-style: chr16-89613064-AGGAGAGGCG-A.
Other names: c.1454_1462del9; c.1454_1462del (NM_003119.4); c.1450-1_1457delGGAGAGGCG (NM_003119.3); c.1454_1462delGGCGGGAGA (NM_003119.4).
Identifiers: ClinVar variation 411680 (VCV000411680.115), dbSNP rs768823392, ClinGen allele CA8244217.